The following is an entry in ClinVar:

NM_000531.6(OTC):c.757G>C (p.Ala253Pro)

Gene: OTC (ornithine transcarbamylase; plus strand). Cytogenetic location: Xp11.4.
Variant type: single nucleotide variant.
Coding change: c.757G>C on transcript NM_000531.6 (MANE Select); coding-DNA position 757, G replaced by C.
Protein change: p.Ala253Pro; replaces alanine 253 with proline.
Molecular consequence: missense variant.
Genome position (GRCh38, 1-based): chrX:38,408,915, G>C. VCF-style: chrX-38408915-G-C. GRCh37 (hg19) VCF-style: chrX-38268168-G-C.
Other names: short protein forms A253P.
Identifiers: ClinVar variation 97310 (VCV000097310.2), dbSNP rs67330615, ClinGen allele CA224769.

ClinVar aggregate classification (germline): Pathogenic (0 of 4 stars; one submission).

Submission:

GenMed Metabolism Lab
Classification: Pathogenic. Review status: no assertion criteria provided. Collection method: not provided. Allele origin: unknown.
Comment: p.Ala253Pro, Neonatal
ClinVar note: Converted during submission from pathogenic to Pathogenic.